The following is an entry in ClinVar:

NM_198525.3(KIF7):c.2636T>C (p.Ile879Thr)

Gene: KIF7 (kinesin family member 7; minus strand). Cytogenetic location: 15q26.1.
Variant type: single nucleotide variant.
Coding change: c.2636T>C on transcript NM_198525.3 (MANE Select); coding-DNA position 2636, T replaced by C.
Protein change: p.Ile879Thr; replaces isoleucine 879 with threonine.
Molecular consequence: missense variant.
Genome position (GRCh38, 1-based): chr15:89,633,223, A>G on the plus strand (T>C on the coding strand, the complement: KIF7 is on the minus strand). VCF-style: chr15-89633223-A-G. GRCh37 (hg19) VCF-style: chr15-90176454-A-G.
Other names: short protein forms I879T.
Identifiers: ClinVar variation 1508093 (VCV001508093.4), dbSNP rs1963725146, ClinGen allele CA393758732.
Genomic context (GRCh38, chr15:89,633,223, plus strand): 5'-ACAGAGCCGTTGCTGCCACTGCGCCTCTTCCTCTGGAATGCCGCGATCTCTTCCGTCTTA[A>G]TCTTCAGGATCTTCTGCTGTTGCTCATGCTTCAGCTCCAGCTCCTGGGTGAGGAGCTCAG-3'
Protein context (NP_940927.2, residues 869-889): KHEQQQKILK[Ile879Thr]KTEEIAAFQR

ClinVar aggregate classification (germline): Uncertain significance (1 of 4 stars; one submission).

Conditions:
Acrocallosal syndrome (ACLS). Also called: HALLUX DUPLICATION, POSTAXIAL POLYDACTYLY, AND ABSENCE OF CORPUS CALLOSUM; Schinzel syndrome 1; Absence of corpus callosum with unusual facial appearance, mental deficiency, duplication of the halluces and polydactyly. Identifiers: Orphanet 36, MedGen C0796147, MONDO:0008708, OMIM 200990.

Allele frequency attached by ClinVar (database versions not stated): gnomAD exomes below 0.00001; TOPMed 0.00001.

Submission:

Labcorp Genetics (formerly Invitae), Labcorp
Classification: Uncertain significance for Acrocallosal syndrome. Last evaluated: 2022-06-27. Review status: criteria provided, single submitter. Criteria: Invitae Variant Classification Sherloc (09022015). Collection method: clinical testing. Allele origin: germline.
Comment: In summary, the available evidence is currently insufficient to determine the role of this variant in disease. Therefore, it has been classified as a Variant of Uncertain Significance. Algorithms developed to predict the effect of missense changes on protein structure and function are either unavailable or do not agree on the potential impact of this missense change (SIFT: "Deleterious"; PolyPhen-2: "Probably Damaging"; Align-GVGD: "Class C0"). This variant has not been reported in the literature in individuals affected with KIF7-related conditions. This variant is not present in population databases (gnomAD no frequency). This sequence change replaces isoleucine, which is neutral and non-polar, with threonine, which is neutral and polar, at codon 879 of the KIF7 protein (p.Ile879Thr).